The following is an entry in ClinVar:

ClinVar aggregate classification (germline): Benign (3 of 4 stars; one submission).

Conditions:
Breast-ovarian cancer, familial, susceptibility to, 1 (BROVCA1). Also called: BRCA1 Hereditary Breast and Ovarian Cancer; OVARIAN CANCER, SUSCEPTIBILITY TO. Identifiers: Orphanet 145, MedGen C2676676, MONDO:0011450, OMIM 604370. Disease mechanism: loss of function.

Allele frequency attached by ClinVar (database versions not stated): gnomAD 0.01441 and 0.01525; 1000 Genomes Project 0.01617; TOPMed 0.01682; 1000 Genomes Project 30x 0.01749.
gnomAD v4.1: 2,174 of 152,270 alleles (1.4%); highest among the groups gnomAD compares: African/African-American, 4.9%; 42 homozygotes.

Submission:

Evidence-based Network for the Interpretation of Germline Mutant Alleles (ENIGMA)
Classification: Benign for Breast-ovarian cancer, familial 1. Last evaluated: 2015-01-12. Review status: reviewed by expert panel. Criteria: ENIGMA BRCA1/2 Classification Criteria (2015). Collection method: curation. Allele origin: germline.
Comment: Class 1 not pathogenic based on frequency >1% in an outbred sampleset. Frequency 0.03862 (African), derived from 1000 genomes (2012-04-30).

NM_007294.4(BRCA1):c.5278-2963G>A

Gene: BRCA1 (BRCA1 DNA repair associated; minus strand). Cytogenetic location: 17q21.31.
Variant type: single nucleotide variant.
Coding change: c.5278-2963G>A on transcript NM_007294.4 (MANE Select); 2963 bases into the intron before coding-DNA position 5278, G replaced by A.
Molecular consequence: intron variant.
Genome position (GRCh38, 1-based): chr17:43,054,080, C>T on the plus strand (G>A on the coding strand, the complement: BRCA1 is on the minus strand). VCF-style: chr17-43054080-C-T. GRCh37 (hg19) VCF-style: chr17-41206097-C-T.
Other names: IVS 20-2963G>A; c.1825-2963G>A (NM_001408458.1, NM_001408461.1, NM_001408464.1 and 7 more transcripts); c.4387-2963G>A (NM_001407967.1); c.4897-2963G>A (NM_001407959.1); c.5011-2963G>A (NM_001407931.1, NM_001407932.1, NM_001407928.1 and 4 more transcripts); c.5134-2963G>A (NM_001407747.1, NM_001407745.1, NM_001407737.1 and 21 more transcripts); c.4894-2963G>A (NM_001407962.1, NM_001407960.1); c.1465-2963G>A (NM_001408512.1); and 75 more.
Identifiers: ClinVar variation 209280 (VCV000209280.2), dbSNP rs78695654, ClinGen allele CA276252.